The following is an entry in ClinVar:

NM_000726.5(CACNB4):c.1417C>T (p.Arg473Cys)

Gene: CACNB4 (calcium voltage-gated channel auxiliary subunit beta 4; minus strand). Cytogenetic location: 2q23.3.
Variant type: single nucleotide variant.
Coding change: c.1417C>T on transcript NM_000726.5 (MANE Select); coding-DNA position 1417, C replaced by T.
Protein change: p.Arg473Cys; replaces arginine 473 with cysteine.
Molecular consequence: missense variant.
Genome position (GRCh38, 1-based): chr2:151,839,265, G>A on the plus strand (C>T on the coding strand, the complement: CACNB4 is on the minus strand). VCF-style: chr2-151839265-G-A. GRCh37 (hg19) VCF-style: chr2-152695779-G-A.
Other names: c.1363C>T, p.Arg455Cys (NM_001005746.4); c.1315C>T, p.Arg439Cys (NM_001005747.4); c.1231C>T, p.Arg411Cys (NM_001145798.3); c.1276C>T, p.Arg426Cys (NM_001320722.3, NM_001330118.2); c.1174C>T, p.Arg392Cys (NM_001330113.2); c.763C>T, p.Arg255Cys (NM_001330114.2); c.1126C>T, p.Arg376Cys (NM_001330115.2); c.1087C>T, p.Arg363Cys (NM_001330116.2); and 1 more; short protein forms R473C, R287C, R455C, R363C, R392C, R255C, R376C, R411C.
Identifiers: ClinVar variation 446968 (VCV000446968.9), dbSNP rs755031838, ClinGen allele CA1912346.

ClinVar aggregate classification (germline): Uncertain significance. Review status: criteria provided, multiple submitters, no conflicts (2 of 4 stars). 2 submissions from 2 submitters: Uncertain significance (2). Last evaluated 2022-06-09.

Conditions:
Idiopathic generalized epilepsy. Also called: EIG; Generalised epilepsy. Identifiers: MedGen C0270850, MONDO:0005579, OMIM 600669.

Allele frequency attached by ClinVar (database versions not stated): gnomAD exomes below 0.00001 and 0.00001; TOPMed below 0.00001; ExAC 0.00001; gnomAD 0.00001.
gnomAD v4.1: 8 of 1,613,482 alleles (0.0005%); highest among the groups gnomAD compares: South Asian, 0.0033%; no homozygotes.

Submissions (2):

Labcorp Genetics (formerly Invitae), Labcorp
Classification: Uncertain significance for Idiopathic generalized epilepsy. Last evaluated: 2022-06-09. Review status: criteria provided, single submitter. Criteria: Invitae Variant Classification Sherloc (09022015). Collection method: clinical testing. Allele origin: germline.
Comment: In summary, the available evidence is currently insufficient to determine the role of this variant in disease. Therefore, it has been classified as a Variant of Uncertain Significance. Algorithms developed to predict the effect of missense changes on protein structure and function are either unavailable or do not agree on the potential impact of this missense change (SIFT: "Deleterious"; PolyPhen-2: "Possibly Damaging"; Align-GVGD: "Class C0"). ClinVar contains an entry for this variant (Variation ID: 446968). This variant has not been reported in the literature in individuals affected with CACNB4-related conditions. This variant is present in population databases (rs755031838, gnomAD 0.003%). This sequence change replaces arginine, which is basic and polar, with cysteine, which is neutral and slightly polar, at codon 473 of the CACNB4 protein (p.Arg473Cys).

Athena Diagnostics
Classification: Uncertain significance. Last evaluated: 2017-04-26. Review status: criteria provided, single submitter. Criteria: Athena Diagnostics Criteria. Collection method: clinical testing. Allele origin: germline.